The following is an entry in ClinVar:

ClinVar aggregate classification (germline): Uncertain significance (1 of 4 stars; one submission).

Allele frequency attached by ClinVar (database versions not stated): gnomAD 0.00001; TOPMed 0.00001.

Submission:

Labcorp Genetics (formerly Invitae), Labcorp
Classification: Uncertain significance. Last evaluated: 2022-12-24. Review status: criteria provided, single submitter. Criteria: Invitae Variant Classification Sherloc (09022015). Collection method: clinical testing. Allele origin: germline.
Comment: This variant has not been reported in the literature in individuals affected with SLC25A32-related conditions. In summary, the available evidence is currently insufficient to determine the role of this variant in disease. Therefore, it has been classified as a Variant of Uncertain Significance. This variant is not present in population databases (gnomAD no frequency). This sequence change creates a premature translational stop signal (p.Ser7*) in the SLC25A32 gene. It is expected to result in an absent or disrupted protein product. However, the current clinical and genetic evidence is not sufficient to establish whether loss-of-function variants in SLC25A32 cause disease.

NM_030780.5(SLC25A32):c.20C>A (p.Ser7Ter)

Gene: SLC25A32 (solute carrier family 25 member 32; minus strand). Cytogenetic location: 8q22.3.
Variant type: single nucleotide variant.
Coding change: c.20C>A on transcript NM_030780.5 (MANE Select); coding-DNA position 20, C replaced by A.
Protein change: p.Ser7Ter; replaces serine 7 with a stop codon.
Molecular consequence: nonsense. On other transcripts: non-coding transcript variant (2).
Genome position (GRCh38, 1-based): chr8:103,414,918, G>T on the plus strand (C>A on the coding strand, the complement: SLC25A32 is on the minus strand). VCF-style: chr8-103414918-G-T. GRCh37 (hg19) VCF-style: chr8-104427146-G-T.
Other names: short protein forms S7*.
Identifiers: ClinVar variation 2993368 (VCV002993368.3), dbSNP rs1383818588, ClinGen allele CA371632489.